The following is an entry in ClinVar:

ClinVar aggregate classification (germline): Uncertain significance (1 of 4 stars; one submission).

Conditions:
Autoimmune lymphoproliferative syndrome type 1. Also called: AUTOIMMUNE LYMPHOPROLIFERATIVE SYNDROME, TYPE I, AUTOSOMAL DOMINANT. Identifiers: Orphanet 3261, MedGen C2717884, MONDO:0011158, OMIM 601859.

Submission:

Labcorp Genetics (formerly Invitae), Labcorp
Classification: Uncertain significance for Autoimmune lymphoproliferative syndrome. Last evaluated: 2023-07-03. Review status: criteria provided, single submitter. Criteria: Invitae Variant Classification Sherloc (09022015). Collection method: clinical testing. Allele origin: germline.
Comment: This sequence change replaces asparagine, which is neutral and polar, with lysine, which is basic and polar, at codon 264 of the FAS protein (p.Asn264Lys). This variant is not present in population databases (gnomAD no frequency). In summary, the available evidence is currently insufficient to determine the role of this variant in disease. Therefore, it has been classified as a Variant of Uncertain Significance. Advanced modeling of protein sequence and biophysical properties (such as structural, functional, and spatial information, amino acid conservation, physicochemical variation, residue mobility, and thermodynamic stability) performed at Invitae indicates that this missense variant is expected to disrupt FAS protein function. ClinVar contains an entry for this variant (Variation ID: 1505824). This missense change has been observed in individual(s) with clinical features of autoimmune lymphoproliferative syndrome (ALPS) (Invitae).

NM_000043.6(FAS):c.792T>G (p.Asn264Lys)

Gene: FAS (Fas cell surface death receptor; plus strand). Cytogenetic location: 10q23.31.
Variant type: single nucleotide variant.
Coding change: c.792T>G on transcript NM_000043.6 (MANE Select); coding-DNA position 792, T replaced by G.
Protein change: p.Asn264Lys; replaces asparagine 264 with lysine.
Molecular consequence: missense variant. On other transcripts: 3 prime UTR variant (2), non-coding transcript variant (7).
Genome position (GRCh38, 1-based): chr10:89,014,234, T>G. VCF-style: chr10-89014234-T-G. GRCh37 (hg19) VCF-style: chr10-90773991-T-G.
Other names: c.*115T>G (NM_001320619.2); c.729T>G, p.Asn243Lys (NM_152871.4); c.*104T>G (NM_152872.4); short protein forms N243K, N264K.
Identifiers: ClinVar variation 1505824 (VCV001505824.6), dbSNP rs2119446116, ClinGen allele CA377509822.